The following is an entry in ClinVar:

NM_001048174.2(MUTYH):c.379A>G (p.Lys127Glu)

Gene: MUTYH (mutY DNA glycosylase; minus strand). Cytogenetic location: 1p34.1.
Variant type: single nucleotide variant.
Coding change: c.379A>G on transcript NM_001048174.2 (MANE Select); coding-DNA position 379, A replaced by G.
Protein change: p.Lys127Glu; replaces lysine 127 with glutamic acid.
Molecular consequence: missense variant. On other transcripts: non-coding transcript variant (6), intron variant (4).
Genome position (GRCh38, 1-based): chr1:45,332,959, T>C on the plus strand (A>G on the coding strand, the complement: MUTYH is on the minus strand). VCF-style: chr1-45332959-T-C. GRCh37 (hg19) VCF-style: chr1-45798631-T-C.
Other names: c.379A>G, p.Lys127Glu (NM_001048171.2, NM_001048173.2, NM_001293195.2 and 5 more transcripts); c.382A>G, p.Lys128Glu (NM_001048172.2, NM_001407071.1, NM_001407078.1 and 1 more transcripts); c.463A>G, p.Lys155Glu (NM_001128425.2); c.424A>G, p.Lys142Glu (NM_001293190.2); c.412A>G, p.Lys138Glu (NM_001293191.2, NM_001407077.1); c.103A>G, p.Lys35Glu (NM_001293192.2, NM_001293196.2, NM_001407091.1); c.34A>G, p.Lys12Glu (NM_001350650.2, NM_001350651.2, NM_001407082.1); c.295A>G, p.Lys99Glu (NM_001407075.1); and 7 more; short protein forms K127E, K141E, K142E, K152E, K128E, K138E, K155E, K99E.
Identifiers: ClinVar variation 4113671 (VCV004113671.1).
Genomic context (GRCh38, chr1:45,332,959, plus strand): 5'-ACCCTAGGGTGGCTCTCACCTCCAGGGAAGCACTGGCCAGGTCCTGCAGTGTAGGCCACT[T>C]CTATAGCCACAGGCAGGCAGAAAGAGACAAGGTCAAGGGTGAAGGTGGTAGAGGAAGCCT-3'
Protein context (NP_001041639.1, residues 117-137): VINYYTGWMQ[Lys127Glu]WPTLQDLASA

ClinVar aggregate classification (germline): Uncertain significance (1 of 4 stars; one submission).

Conditions:
Hereditary cancer-predisposing syndrome. Also called: Hereditary neoplastic syndrome; Neoplastic Syndromes, Hereditary; Tumor predisposition; Hereditary Cancer Syndrome. Identifiers: Orphanet 140162, MedGen C0027672, MeSH D009386, MONDO:0015356.

Submission:

Ambry Genetics
Classification: Uncertain significance for Hereditary cancer-predisposing syndrome. Last evaluated: 2025-08-27. Review status: criteria provided, single submitter. Criteria: Ambry Variant Classification Scheme 2023. Collection method: clinical testing. Allele origin: germline.
Comment: The p.K155E variant (also known as c.463A>G) is located in coding exon 6 of the MUTYH gene. The lysine at codon 155 is replaced by glutamic acid, an amino acid with similar properties. This change occurs in the first base pair of coding exon 6. This amino acid position is conserved. In addition, the in silico prediction for this alteration is inconclusive. Based on the available evidence, the clinical significance of this variant remains unclear.